The following is an entry in ClinVar:

ClinVar aggregate classification (germline): Uncertain significance (1 of 4 stars; one submission).

Conditions:
Familial thoracic aortic aneurysm and aortic dissection (TAAD). Also called: Thoracic aortic aneurysms and dissections. Identifiers: Orphanet 91387, MedGen C4707243, MONDO:0019625.
Hereditary cancer-predisposing syndrome. Also called: Neoplastic Syndromes, Hereditary; Tumor predisposition; Hereditary neoplastic syndrome; Hereditary Cancer Syndrome. Identifiers: Orphanet 140162, MedGen C0027672, MeSH D009386, MONDO:0015356.

gnomAD v4.1: 1 of 1,612,988 alleles (0.000062%); highest among the groups gnomAD compares: Non-Finnish European, 0.000085%; no homozygotes.

Submission:

Ambry Genetics
Classification: Uncertain significance for Hereditary cancer-predisposing syndrome; Familial thoracic aortic aneurysm and aortic dissection. Last evaluated: 2026-06-22. Review status: criteria provided, single submitter. Criteria: Ambry Variant Classification Scheme 2023. Collection method: clinical testing. Allele origin: germline.
Comment: The p.V304G variant (also known as c.911T>G), located in coding exon 7 of the SMAD4 gene, results from a T to G substitution at nucleotide position 911. The valine at codon 304 is replaced by glycine, an amino acid with dissimilar properties. This amino acid position is conserved. In addition, this alteration is predicted to be deleterious by in silico analysis. Based on the available evidence, the clinical significance of this variant remains unclear.

NM_005359.6(SMAD4):c.911T>G (p.Val304Gly)

Gene: SMAD4 (SMAD family member 4; plus strand). Cytogenetic location: 18q21.2.
Variant type: single nucleotide variant.
Coding change: c.911T>G on transcript NM_005359.6 (MANE Select); coding-DNA position 911, T replaced by G.
Protein change: p.Val304Gly; replaces valine 304 with glycine.
Molecular consequence: missense variant. On other transcripts: non-coding transcript variant (2).
Genome position (GRCh38, 1-based): chr18:51,059,872, T>G. VCF-style: chr18-51059872-T-G. GRCh37 (hg19) VCF-style: chr18-48586242-T-G.
Other names: c.911T>G, p.Val304Gly (NM_001407041.1, NM_001407042.1, NM_001407043.1); short protein forms V304G.
Identifiers: ClinVar variation 5029723 (VCV005029723.1).